The following is an entry in ClinVar:

NM_152393.4(KLHL40):c.1467G>A (p.Glu489=)

Gene: KLHL40 (kelch like family member 40; plus strand). Cytogenetic location: 3p22.1.
Variant type: single nucleotide variant.
Coding change: c.1467G>A on transcript NM_152393.4 (MANE Select); coding-DNA position 1467, G replaced by A.
Protein change: p.Glu489=; no amino-acid change (glutamic acid 489 retained).
Molecular consequence: synonymous variant.
Genome position (GRCh38, 1-based): chr3:42,688,914, G>A. VCF-style: chr3-42688914-G-A. GRCh37 (hg19) VCF-style: chr3-42730406-G-A.
Other names: c.1467G>A (NM_152393.3).
Identifiers: ClinVar variation 1083040 (VCV001083040.9), dbSNP rs145033040, ClinGen allele CA2336985.

ClinVar aggregate classification (germline): Likely benign. Review status: criteria provided, single submitter (1 of 4 stars). 2 submissions from 2 submitters: Likely benign (1). 1 of the submissions does not count toward it. Last evaluated 2022-09-01.

Conditions:
KLHL40-related disorder. Also called: KLHL40-related condition.
Nemaline myopathy 8 (NEM8). Also called: Nemaline myopathy 8, autosomal recessive. Identifiers: Orphanet 171430, MedGen C3809209, MONDO:0014138, OMIM 615348.

Allele frequency attached by ClinVar (database versions not stated): gnomAD 0.00003 and 0.00004; ESP Exome Variant Server 0.00015.
gnomAD v4.1: 4 of 1,614,070 alleles (0.00025%); highest among the groups gnomAD compares: African/African-American, 0.0053%; no homozygotes.

Submissions (2):

Labcorp Genetics (formerly Invitae), Labcorp
Classification: Likely benign for Nemaline myopathy 8. Last evaluated: 2022-09-01. Review status: criteria provided, single submitter. Criteria: Invitae Variant Classification Sherloc (09022015). Collection method: clinical testing. Allele origin: germline.

PreventionGenetics, part of Exact Sciences
Classification: Likely benign for KLHL40-related condition. Last evaluated: 2023-08-09. Review status: no assertion criteria provided. Collection method: clinical testing. Allele origin: germline. Not counted in ClinVar's aggregate classification.
Comment: This variant is classified as likely benign based on ACMG/AMP sequence variant interpretation guidelines (Richards et al. 2015 PMID: 25741868, with internal and published modifications).